The following is an entry in ClinVar:

ClinVar aggregate classification (germline): Likely benign (1 of 4 stars; one submission).

Allele frequency attached by ClinVar (database versions not stated): TOPMed 0.00006; gnomAD exomes 0.00010; gnomAD 0.00015; ExAC 0.00021.
gnomAD v4.1: 171 of 1,614,062 alleles (0.011%); highest among the groups gnomAD compares: Non-Finnish European, 0.013%; 1 homozygote.

Submission:

CeGaT Center for Human Genetics Tuebingen
Classification: Likely benign. Last evaluated: 2026-04-01. Review status: criteria provided, single submitter. Criteria: CeGaT Center For Human Genetics Tuebingen Variant Classification Criteria Version 2. Collection method: clinical testing. Allele origin: germline. Affected: yes. Observed: 2 variant alleles.
Comment: SPEN: BS1

NM_015001.3(SPEN):c.2117G>A (p.Arg706His)

Gene: SPEN (spen family transcriptional repressor; plus strand). Cytogenetic location: 1p36.13.
Variant type: single nucleotide variant.
Coding change: c.2117G>A on transcript NM_015001.3 (MANE Select); coding-DNA position 2117, G replaced by A.
Protein change: p.Arg706His; replaces arginine 706 with histidine.
Molecular consequence: missense variant.
Genome position (GRCh38, 1-based): chr1:15,928,357, G>A. VCF-style: chr1-15928357-G-A. GRCh37 (hg19) VCF-style: chr1-16254852-G-A.
Other names: short protein forms R706H.
Identifiers: ClinVar variation 3025253 (VCV003025253.22), dbSNP rs202019470, ClinGen allele CA619212.